The following is an entry in ClinVar:

ClinVar aggregate classification (germline): Uncertain significance (1 of 4 stars; one submission).

Allele frequency attached by ClinVar (database versions not stated): TOPMed 0.00001.

Submission:

GeneDx
Classification: Uncertain significance. Last evaluated: 2019-10-29. Review status: criteria provided, single submitter. Criteria: GeneDx Variant Classification Process June 2021. Collection method: clinical testing. Allele origin: germline. Affected: yes.
Comment: Has not been previously published as pathogenic or benign to our knowledge; Not observed in large population cohorts (Lek et al., 2016); In silico analysis, which includes protein predictors and evolutionary conservation, supports that this variant does not alter protein structure/function; Occurs in the triple helical domain at the X position in the canonical Gly-X-Y repeat; although this variant may have an effect on normal protein folding and function, missense substitution at the X position is not a common mechanism of disease (Stenson et al., 2014)

NM_000088.4(COL1A1):c.2599A>C (p.Ser867Arg)

Gene: COL1A1 (collagen type I alpha 1 chain; minus strand). Cytogenetic location: 17q21.33.
Variant type: single nucleotide variant.
Coding change: c.2599A>C on transcript NM_000088.4 (MANE Select); coding-DNA position 2599, A replaced by C.
Protein change: p.Ser867Arg; replaces serine 867 with arginine.
Molecular consequence: missense variant.
Genome position (GRCh38, 1-based): chr17:50,189,873, T>G on the plus strand (A>C on the coding strand, the complement: COL1A1 is on the minus strand). VCF-style: chr17-50189873-T-G. GRCh37 (hg19) VCF-style: chr17-48267234-T-G.
Other names: short protein forms S867R.
Identifiers: ClinVar variation 1309741 (VCV001309741.2), dbSNP rs1906915002, ClinGen allele CA400207239.
Genomic context (GRCh38, chr17:50,189,873, plus strand): 5'-CCTGGGGAGAGGGGAGAGGCTCAACAGAGAGGCGGGTGATACTCACAGGGGGACCAGCGC[T>G]GCCGCGAGCACCTTTGGCTCCAGGAGCACCAACATTACCCTGTAGGAGAGCACAGAGGCA-3'
Protein context (NP_000079.2, residues 857-877): GAPGAKGARG[Ser867Arg]AGPPGATGFP